The following is an entry in ClinVar:

ClinVar aggregate classification (germline): Benign (1 of 4 stars; one submission).

Allele frequency attached by ClinVar (database versions not stated): 1000 Genomes Project 30x 0.00016; 1000 Genomes Project 0.00020; TOPMed 0.00127; gnomAD 0.00133; ExAC 0.00159; gnomAD exomes 0.00243.

Submission:

CeGaT Center for Human Genetics Tuebingen
Classification: Benign. Last evaluated: 2023-07-01. Review status: criteria provided, single submitter. Criteria: CeGaT Center For Human Genetics Tuebingen Variant Classification Criteria Version 2. Collection method: clinical testing. Allele origin: germline. Affected: yes. Observed: 2 variant alleles.
Comment: AHNAK2: BS1, BS2

NM_138420.4(AHNAK2):c.14579T>A (p.Val4860Glu)

Gene: AHNAK2 (AHNAK nucleoprotein 2; minus strand). Cytogenetic location: 14q32.33.
Variant type: single nucleotide variant.
Coding change: c.14579T>A on transcript NM_138420.4 (MANE Select); coding-DNA position 14579, T replaced by A.
Protein change: p.Val4860Glu; replaces valine 4860 with glutamic acid.
Molecular consequence: missense variant.
Genome position (GRCh38, 1-based): chr14:104,940,872, A>T on the plus strand (T>A on the coding strand, the complement: AHNAK2 is on the minus strand). VCF-style: chr14-104940872-A-T. GRCh37 (hg19) VCF-style: chr14-105407209-A-T.
Other names: c.14279T>A, p.Val4760Glu (NM_001350929.2); short protein forms V4760E, V4860E.
Identifiers: ClinVar variation 2644635 (VCV002644635.24), dbSNP rs199715548, ClinGen allele CA7377600.
Genomic context (GRCh38, chr14:104,940,872, plus strand): 5'-GGAACTGCCATTTGGGGGACTGAAAACACAAACTTTGGTTTATAGAATTTAGGAAAAGAT[A>T]CCTGACCAAGAGAAACAGGAATCATGGAATTCAGTGGGCCAGAGTGACTCTCAGCTTGAG-3'
Protein context (NP_612429.2, residues 4850-4870): NSMIPVSLGQ[Val4860Glu]SFPKFYKPKF